The following is an entry in ClinVar:

NM_145207.3(AFG2A):c.1831C>T (p.Pro611Ser)

Gene: AFG2A (AAA ATPase AFG2A; plus strand). Cytogenetic location: 4q28.1.
Variant type: single nucleotide variant.
Coding change: c.1831C>T on transcript NM_145207.3 (MANE Select); coding-DNA position 1831, C replaced by T.
Protein change: p.Pro611Ser; replaces proline 611 with serine.
Molecular consequence: missense variant.
Genome position (GRCh38, 1-based): chr4:122,979,348, C>T. VCF-style: chr4-122979348-C-T. GRCh37 (hg19) VCF-style: chr4-123900503-C-T.
Other names: c.1828C>T, p.Pro610Ser (NM_001317799.2, NM_001345856.2); short protein forms P611S, P610S.
Identifiers: ClinVar variation 2117420 (VCV002117420.3), dbSNP rs1334740694, ClinGen allele CA358093660.

ClinVar aggregate classification (germline): Uncertain significance (1 of 4 stars; one submission).

Conditions:
Microcephaly-intellectual disability-sensorineural hearing loss-epilepsy-abnormal muscle tone syndrome (NEDHSB). Also called: NEURODEVELOPMENTAL DISORDER WITH HEARING LOSS, SEIZURES, AND BRAIN ABNORMALITIES. Identifiers: Orphanet 457351, MedGen C4225276, MONDO:0014698, OMIM 616577.

Submission:

Labcorp Genetics (formerly Invitae), Labcorp
Classification: Uncertain significance for Microcephaly-intellectual disability-sensorineural hearing loss-epilepsy-abnormal muscle tone syndrome. Last evaluated: 2022-03-26. Review status: criteria provided, single submitter. Criteria: Invitae Variant Classification Sherloc (09022015). Collection method: clinical testing. Allele origin: germline.
Comment: This variant has not been reported in the literature in individuals affected with SPATA5-related conditions. In summary, the available evidence is currently insufficient to determine the role of this variant in disease. Therefore, it has been classified as a Variant of Uncertain Significance. Advanced modeling of protein sequence and biophysical properties (such as structural, functional, and spatial information, amino acid conservation, physicochemical variation, residue mobility, and thermodynamic stability) performed at Invitae indicates that this missense variant is expected to disrupt SPATA5 protein function. This variant is present in population databases (no rsID available, gnomAD 0.0009%). This sequence change replaces proline, which is neutral and non-polar, with serine, which is neutral and polar, at codon 611 of the SPATA5 protein (p.Pro611Ser).